The following is an entry in ClinVar:

ClinVar aggregate classification (germline): Pathogenic (1 of 4 stars; one submission).

Conditions:
Hypertrophic cardiomyopathy 26. Also called: Cardiomyopathy, familial hypertrophic, 26. Identifiers: Orphanet 75249, MedGen C4310749, MONDO:0014883, OMIM 617047.
Myofibrillar myopathy 5. Also called: Filaminopathy (type); FILAMINOPATHY, AUTOSOMAL DOMINANT. Identifiers: Orphanet 171445, MedGen C1836050, MONDO:0012289, OMIM 609524.
Distal myopathy with posterior leg and anterior hand involvement. Also called: WILLIAMS DISTAL MYOPATHY. Identifiers: Orphanet 63273, MedGen C3279722, MONDO:0013550, OMIM 614065.

Submission:

Labcorp Genetics (formerly Invitae), Labcorp
Classification: Pathogenic for Distal myopathy with posterior leg and anterior hand involvement; Myofibrillar myopathy 5; Hypertrophic cardiomyopathy 26. Last evaluated: 2024-05-06. Review status: criteria provided, single submitter. Criteria: Invitae Variant Classification Sherloc (09022015). Collection method: clinical testing. Allele origin: germline.
Comment: This sequence change creates a premature translational stop signal (p.Phe1730Serfs*53) in the FLNC gene. It is expected to result in an absent or disrupted protein product. Loss-of-function variants in FLNC are known to be pathogenic (PMID: 27908349). This variant is not present in population databases (gnomAD no frequency). This variant has not been reported in the literature in individuals affected with FLNC-related conditions. For these reasons, this variant has been classified as Pathogenic.

Literature cited by the submitters: PubMed 27908349.

NM_001458.5(FLNC):c.5187del (p.Phe1730fs)

Gene: FLNC (filamin C; plus strand). Cytogenetic location: 7q32.1.
Variant type: Deletion.
Coding change: c.5187del on transcript NM_001458.5 (MANE Select); coding-DNA position 5187, one base deleted (C; older notation c.5187delC).
Protein change: p.Phe1730fs; shifts the reading frame from phenylalanine 1730.
Molecular consequence: frameshift variant.
Genome position (GRCh38, 1-based): chr7:128,849,566, C deleted; the last of 4 consecutive C bases (chr7:128,849,563-128,849,566); deleting any one gives the same sequence. VCF-style (leftmost placement, unchanged base first): chr7-128849562-GC-G. GRCh37 (hg19) VCF-style: chr7-128489616-GC-G.
Other names: c.5187del, p.Phe1730fs (NM_001127487.2); short protein forms F1730fs.
Identifiers: ClinVar variation 2954457 (VCV002954457.3), dbSNP rs2536650858, ClinGen allele CA2740094844.